The following is an entry in ClinVar:

ClinVar aggregate classification (germline): Uncertain significance. Review status: criteria provided, multiple submitters, no conflicts (2 of 4 stars). 2 submissions from 2 submitters: Uncertain significance (2). Last evaluated 2024-11-10.

Conditions:
Primary ciliary dyskinesia. Also called: Ciliary dyskinesia. Identifiers: Orphanet 244, MedGen C0008780, MONDO:0016575, HP:0012265.

gnomAD v4.1: 15 of 1,614,072 alleles (0.00093%); highest among the groups gnomAD compares: Admixed American, 0.017%; no homozygotes.

Submissions (2):

Ambry Genetics
Classification: Uncertain significance for Primary ciliary dyskinesia. Last evaluated: 2024-11-10. Review status: criteria provided, single submitter. Criteria: Ambry Variant Classification Scheme 2023. Collection method: clinical testing. Allele origin: germline.
Comment: The p.S401R variant (also known as c.1203C>G), located in coding exon 10 of the CCDC114 gene, results from a C to G substitution at nucleotide position 1203. The serine at codon 401 is replaced by arginine, an amino acid with dissimilar properties. This amino acid position is conserved. In addition, this alteration is predicted to be tolerated by in silico analysis. Based on the available evidence, the clinical significance of this variant remains unclear.

GeneDx
Classification: Uncertain significance. Last evaluated: 2022-09-09. Review status: criteria provided, single submitter. Criteria: GeneDx Variant Classification Process June 2021. Collection method: clinical testing. Allele origin: germline. Affected: yes.
Comment: Has not been previously published as pathogenic or benign to our knowledge; In silico analysis supports that this missense variant does not alter protein structure/function

NM_001364171.2(ODAD1):c.1314C>G (p.Ser438Arg)

Gene: ODAD1 (outer dynein arm docking complex subunit 1; minus strand). Cytogenetic location: 19q13.33.
Variant type: single nucleotide variant.
Coding change: c.1314C>G on transcript NM_001364171.2 (MANE Select); coding-DNA position 1314, C replaced by G.
Protein change: p.Ser438Arg; replaces serine 438 with arginine.
Molecular consequence: missense variant.
Genome position (GRCh38, 1-based): chr19:48,298,267, G>C on the plus strand (C>G on the coding strand, the complement: ODAD1 is on the minus strand). VCF-style: chr19-48298267-G-C. GRCh37 (hg19) VCF-style: chr19-48801524-G-C.
Other names: c.1203C>G, p.Ser401Arg (NM_144577.4); short protein forms S401R, S438R.
Identifiers: ClinVar variation 1704998 (VCV001704998.3), dbSNP rs1204809790, ClinGen allele CA406656758.
Genomic context (GRCh38, chr19:48,298,267, plus strand): 5'-GAGCTCCACCAGCCGCTTCTCAATGAGGCTCAGGAAGAGGCCCATGTCCCGGTCTCCCAT[G>C]CTGGTCTTGACCCCAAGGAGGTCATCGATCATGCTGCTGTCGCAATGGGCCTTGGTGAAG-3'
Protein context (NP_001351100.1, residues 428-448): MIDDLLGVKT[Ser438Arg]MGDRDMGLFL